The following is an entry in ClinVar:

ClinVar aggregate classification (germline): Uncertain significance (1 of 4 stars; one submission).

Conditions:
Epidermolysis bullosa simplex 3, localized or generalized intermediate, with BP230 deficiency (EBS3). Also called: Epidermolysis bullosa simplex, autosomal recessive 2; Epidermolysis bullosa simplex due to BP230 deficiency. Identifiers: Orphanet 412181, MedGen C3809470, MONDO:0014180, OMIM 615425.
Hereditary sensory and autonomic neuropathy type 6. Also called: HSAN VI; Neuropathy, hereditary sensory and autonomic, type VI. Identifiers: Orphanet 314381, MedGen C3539003, MONDO:0013839, OMIM 614653.

Allele frequency attached by ClinVar (database versions not stated): gnomAD exomes 0.00001 and 0.00003; TOPMed 0.00001; ExAC 0.00006.
gnomAD v4.1: 11 of 1,613,882 alleles (0.00068%); highest among the groups gnomAD compares: Admixed American, 0.015%; no homozygotes.

Submission:

Labcorp Genetics (formerly Invitae), Labcorp
Classification: Uncertain significance for Epidermolysis bullosa simplex 3, localized or generalized intermediate, with BP230 deficiency; Hereditary sensory and autonomic neuropathy type 6. Last evaluated: 2022-06-27. Review status: criteria provided, single submitter. Criteria: Invitae Variant Classification Sherloc (09022015). Collection method: clinical testing. Allele origin: germline.
Comment: This sequence change replaces histidine, which is basic and polar, with arginine, which is basic and polar, at codon 2477 of the DST protein (p.His2477Arg). The DST gene has multiple clinically relevant transcripts. This variant occurs in alternate transcript NM_015548.4, and corresponds to NM_001723.5:c.*62024A>G in the primary transcript. This variant is present in population databases (rs766735738, gnomAD 0.03%). In summary, the available evidence is currently insufficient to determine the role of this variant in disease. Therefore, it has been classified as a Variant of Uncertain Significance. Experimental studies and prediction algorithms are not available or were not evaluated, and the functional significance of this variant is currently unknown. This variant has not been reported in the literature in individuals affected with DST-related conditions.

NM_001374736.1(DST):c.15299A>G (p.His5100Arg)

Gene: DST (dystonin; minus strand). Cytogenetic location: 6p12.1.
Variant type: single nucleotide variant.
Coding change: c.15299A>G on transcript NM_001374736.1 (MANE Select); coding-DNA position 15299, A replaced by G.
Protein change: p.His5100Arg; replaces histidine 5100 with arginine.
Molecular consequence: missense variant.
Genome position (GRCh38, 1-based): chr6:56,553,493, T>C on the plus strand (A>G on the coding strand, the complement: DST is on the minus strand). VCF-style: chr6-56553493-T-C. GRCh37 (hg19) VCF-style: chr6-56418291-T-C.
Other names: c.8942A>G, p.His2981Arg (NM_001144769.5); c.8528A>G, p.His2843Arg (NM_001144770.2); c.15299A>G, p.His5100Arg (NM_001374722.1); c.14666A>G, p.His4889Arg (NM_001374729.1); c.8408A>G, p.His2803Arg (NM_001374730.1, NM_001386100.1, NM_183380.4); c.15326A>G, p.His5109Arg (NM_001374734.1); c.7430A>G, p.His2477Arg (NM_015548.5); short protein forms H5109R, H2843R, H4889R, H2477R, H2803R, H2981R, H5100R.
Identifiers: ClinVar variation 1402117 (VCV001402117.4), dbSNP rs766735738, ClinGen allele CA3867839.
Genomic context (GRCh38, chr6:56,553,493, plus strand): 5'-TCTGCAATGGTTTTTTCATACATATGAGACTGAGCGGTCAAAGTTTTACTAAAGTCTTTA[T>C]GATCTTTAATTAATGACTCCAAGACATCGAGTTTGGCAGATATTGGATGAGATTTGTTTT-3'
Protein context (NP_001361665.1, residues 5090-5110): LDVLESLIKD[His5100Arg]KDFSKTLTAQ